The following is an entry in ClinVar:

NM_005585.5(SMAD6):c.269dup (p.Arg91fs)

Gene: SMAD6 (SMAD family member 6; plus strand). Cytogenetic location: 15q22.31.
Variant type: Duplication.
Coding change: c.269dup on transcript NM_005585.5 (MANE Select); coding-DNA position 269, one base duplicated (C; older notation c.269dupC).
Protein change: p.Arg91fs; shifts the reading frame from arginine 91.
Molecular consequence: frameshift variant. On other transcripts: non-coding transcript variant (1).
Genome position (GRCh38, 1-based): chr15:66,703,527, C duplicated; the last of 6 consecutive C bases (chr15:66,703,522-66,703,527); duplicating any one gives the same sequence. VCF-style (leftmost placement, unchanged base first): chr15-66703521-G-GC. GRCh37 (hg19) VCF-style: chr15-66995859-G-GC.
Other names: c.264dupC (NM_005585.5); c.269dupC (NM_005585.4); short protein forms R91fs.
Identifiers: ClinVar variation 1174567 (VCV001174567.13), dbSNP rs1006397889, ClinGen allele CA714992229.

ClinVar aggregate classification (germline): Conflicting classifications of pathogenicity. Review status: criteria provided, conflicting classifications (1 of 4 stars). 5 submissions from 5 submitters: Pathogenic (1); Likely pathogenic (1); Uncertain significance (2). 1 of the submissions does not count toward it. Last evaluated 2026-04-12.

Conditions:
SMAD6-related disease. Also called: SMAD6-related disorder; SMAD6-related condition. Identifiers: MedGen CN381596, MONDO:0700324.
Aortic valve disease 2 (AOVD2). Identifiers: MedGen C3542024, MONDO:0013902, OMIM 614823.
Radioulnar synostosis. Also called: Congenital radioulnar synostosis. Identifiers: Orphanet 3269, MedGen C0158761, MONDO:0017985, HP:0002974.
Craniosynostosis 7 (CRS7). Also called: CRANIOSYNOSTOSIS 7, DIGENIC; CRS7, DIGENIC. Identifiers: MedGen C4479496, MONDO:0044315, OMIM 617439.

Submissions (5):

Dasa
Classification: Likely pathogenic. Last evaluated: 2026-04-12. Review status: criteria provided, single submitter. Criteria: DASA Assertion Criteria. Collection method: clinical testing. Allele origin: germline.
Comment: NM_005585.5(SMAD6):c.269dup (p.Arg91Glufs*30) is a frameshift variant in SMAD6 predicted to alter the reading frame and introduce a premature termination codon and is predicted to result in an absent or altered protein product. Loss of function is an established disease mechanism for SMAD6-associated disorders. This variant has been reported in individuals with SMAD6-related disorders. Also, this variant is rare in population databases. Based on the currently available evidence, this variant is classified as likely pathogenic.

PreventionGenetics, part of Exact Sciences
Classification: Uncertain significance for SMAD6-related condition. Last evaluated: 2026-02-17. Review status: criteria provided, single submitter. Criteria: ACMG Guidelines, 2015. Collection method: clinical testing. Allele origin: germline.
Comment: The SMAD6 c.269dupC variant is predicted to result in a frameshift and premature protein termination (p.Arg91Glufs*30). This variant has been reported in an individual with non-syndromic metopic craniosynostosis (referred to as c.264dupC, p.G88fs*33 in Fig. S2, Timberlake et al. 2017. PubMed ID: 28808027) and maternally inherited in an individual with radioulnar synostosis (referred to as c.264dupC:p.G88fs in Shen et al. 2021. PubMed ID: 34953066). This variant was not reported in gnomAD v2. However, in gnomAD v4 (available only on GRCh38), this variant is reported in 20 heterozygous individuals. This population data is not consistent with this variant being a primary cause of disease. A cohort of 2,871 congenital heart disease (CHD) patients found eight inherited and one de novo loss-of-function (LOF) SMAD6 variants in patients with variable CHDs; however, only one of eight of the parents transmitting a LOF variant had a CHD (bicuspid aortic valve). Importantly, no LOF variants were found among the 7,156 parental control alleles (Jin et al. 2017. PubMed ID: 28991257). However, the SMAD6 gene is predicted to largely be tolerant of LOF variants as more LOF variants are observed than expected in the gnomAD database (Lek et al. 2016. PubMed ID: 27535533). Although we suspect that this variant may be pathogenic, at this time, the clinical significance of this variant is uncertain due to the absence of conclusive functional and genetic evidence.

3billion
Classification: Pathogenic for Craniosynostosis 7. Last evaluated: 2025-04-10. Review status: criteria provided, single submitter. Criteria: ACMG Guidelines, 2015. Collection method: clinical testing. Allele origin: germline. Affected: yes.
Comment: The variant is observed at an extremely low frequency in the gnomAD v4.1.0 dataset (total allele frequency: 0.002%). Predicted Consequence/Location: Frameshift: predicted to result in a loss or disruption of normal protein function through nonsense-mediated decay (NMD) or protein truncation. Multiple pathogenic variants are reported downstream of the variant. The variant has been reported to be associated with SMAD6-related disorder (ClinVar ID: VCV001174567 / PMID: 28808027 / 3billion dataset). Therefore, this variant is classified as Pathogenic according to the recommendation of ACMG/AMP guideline.

Labcorp Genetics (formerly Invitae), Labcorp
Classification: Uncertain significance for Aortic valve disease 2. Last evaluated: 2024-05-16. Review status: criteria provided, single submitter. Criteria: Invitae Variant Classification Sherloc (09022015). Collection method: clinical testing. Allele origin: germline.
Comment: This sequence change creates a premature translational stop signal (p.Arg91Glufs*30) in the SMAD6 gene. It is expected to result in an absent or disrupted protein product. However, the current clinical and genetic evidence is not sufficient to establish whether loss-of-function variants in SMAD6 cause disease. This variant is not present in population databases (gnomAD no frequency). This premature translational stop signal has been observed in individual(s) with craniosynostosis or radial ulnar stenosis (PMID: 28808027, 34953066). This variant is also known as c.264dupC (p.G88fs*33). ClinVar contains an entry for this variant (Variation ID: 1174567). In summary, the available evidence is currently insufficient to determine the role of this variant in disease. Therefore, it has been classified as a Variant of Uncertain Significance.

The Laboratory of Genetics and Metabolism, Hunan Children’s Hospital
Classification: Pathogenic for Radioulnar synostosis. Last evaluated: 2020-06-20. Review status: no assertion criteria provided. Collection method: research. Allele origin: maternal. Affected: yes. Not counted in ClinVar's aggregate classification.

Literature cited by the submitters: PubMed 28808027 (cited by 3billion and Labcorp Genetics (formerly Invitae), Labcorp); PubMed 34953066 (cited by Labcorp Genetics (formerly Invitae), Labcorp).